The following is an entry in ClinVar:

ClinVar aggregate classification (germline): Uncertain significance (1 of 4 stars; one submission).

Conditions:
Inborn genetic diseases. Identifiers: MedGen C0950123, MeSH D030342.

gnomAD v4.1: 2 of 1,612,902 alleles (0.00012%); highest among the groups gnomAD compares: Non-Finnish European, 0.00017%; no homozygotes.

Submission:

Ambry Genetics
Classification: Uncertain significance for Inborn genetic diseases. Last evaluated: 2025-04-05. Review status: criteria provided, single submitter. Criteria: Ambry Variant Classification Scheme 2023. Collection method: clinical testing. Allele origin: germline.
Comment: The p.A279V variant (also known as c.836C>T), located in coding exon 7 of the PAX5 gene, results from a C to T substitution at nucleotide position 836. The alanine at codon 279 is replaced by valine, an amino acid with similar properties. This amino acid position is conserved. In addition, the in silico prediction for this alteration is inconclusive. Based on the available evidence, the clinical significance of this variant remains unclear.

NM_016734.3(PAX5):c.836C>T (p.Ala279Val)

Gene: PAX5 (paired box 5; minus strand). Cytogenetic location: 9p13.2.
Variant type: single nucleotide variant.
Coding change: c.836C>T on transcript NM_016734.3 (MANE Select); coding-DNA position 836, C replaced by T.
Protein change: p.Ala279Val; replaces alanine 279 with valine.
Molecular consequence: missense variant. On other transcripts: intron variant (2).
Genome position (GRCh38, 1-based): chr9:36,923,429, G>A on the plus strand (C>T on the coding strand, the complement: PAX5 is on the minus strand). VCF-style: chr9-36923429-G-A. GRCh37 (hg19) VCF-style: chr9-36923426-G-A.
Other names: c.836C>T, p.Ala279Val (NM_001280547.2, NM_001280548.2, NM_001280552.2); c.512C>T, p.Ala171Val (NM_001280551.2, NM_001280556.2); c.707C>T, p.Ala236Val (NM_001280553.2, NM_001280554.2); c.638C>T, p.Ala213Val (NM_001280555.2); c.780+43120C>T (NM_001280550.2, NM_001280549.2); short protein forms A236V, A171V, A279V, A213V.
Identifiers: ClinVar variation 3928288 (VCV003928288.1).
Genomic context (GRCh38, chr9:36,923,429, plus strand): 5'-TAGGACTGCGGGCCTGGCACACTGCTCCCGATGTCAGCAGGGGTGGGGCTGGCCAGATTG[G>A]CCTTCATGTCGTCCAGCCCACCAGCCAGCGAGGCCATGGCTGAATACTCTGTGGTCTGAA-3'
Protein context (NP_057953.1, residues 269-289): SLAGGLDDMK[Ala279Val]NLASPTPADI